The following is an entry in ClinVar:

ClinVar aggregate classification (germline): Likely benign. Review status: criteria provided, single submitter (1 of 4 stars). 2 submissions from 2 submitters: Likely benign (1). 1 of the submissions does not count toward it. Last evaluated 2024-12-07.

Conditions:
RAI1-related disorder. Also called: RAI1-related condition.

Allele frequency attached by ClinVar (database versions not stated): TOPMed 0.00001.

Submissions (2):

Labcorp Genetics (formerly Invitae), Labcorp
Classification: Likely benign. Last evaluated: 2024-12-07. Review status: criteria provided, single submitter. Criteria: Invitae Variant Classification Sherloc (09022015). Collection method: clinical testing. Allele origin: germline.

PreventionGenetics, part of Exact Sciences
Classification: Likely benign for RAI1-related condition. Last evaluated: 2024-06-27. Review status: no assertion criteria provided. Collection method: clinical testing. Allele origin: germline. Not counted in ClinVar's aggregate classification.
Comment: This variant is classified as likely benign based on ACMG/AMP sequence variant interpretation guidelines (Richards et al. 2015 PMID: 25741868, with internal and published modifications).

NM_030665.4(RAI1):c.5454G>A (p.Glu1818=)

Gene: RAI1 (retinoic acid induced 1; plus strand). Cytogenetic location: 17p11.2.
Variant type: single nucleotide variant.
Coding change: c.5454G>A on transcript NM_030665.4 (MANE Select); coding-DNA position 5454, G replaced by A.
Protein change: p.Glu1818=; no amino-acid change (glutamic acid 1818 retained).
Molecular consequence: synonymous variant.
Genome position (GRCh38, 1-based): chr17:17,798,402, G>A. VCF-style: chr17-17798402-G-A. GRCh37 (hg19) VCF-style: chr17-17701716-G-A.
Other names: c.5454G>A (NM_030665.3).
Identifiers: ClinVar variation 1621851 (VCV001621851.9), dbSNP rs2032346106, ClinGen allele CA498425588.